The following is an entry in ClinVar:

ClinVar aggregate classification (germline): Benign (1 of 4 stars; one submission).

Conditions:
Familial cancer of breast. Also called: hereditary breast carcinoma; BREAST CANCER, FAMILIAL; Hereditary breast cancer. Identifiers: Orphanet 227535, MedGen C0346153, MONDO:0016419, OMIM 114480. Disease mechanism: loss of function.

Submission:

Myriad Genetics, Inc.
Classification: Benign for Familial cancer of breast. Last evaluated: 2024-06-07. Review status: criteria provided, single submitter. Criteria: Myriad Autosomal Dominant, Autosomal Recessive and X-Linked Classification Criteria (2023). Collection method: clinical testing. Allele origin: unknown.
Comment: This variant is considered benign. This variant is a silent/synonymous amino acid change and it is not expected to impact splicing.

NM_000051.4(ATM):c.6660G>A (p.Gln2220=)

Genes: ATM (ATM serine/threonine kinase; plus strand), C11orf65 (chromosome 11 open reading frame 65; minus strand). Cytogenetic location: 11q22.3.
Variant type: single nucleotide variant.
Coding change: c.6660G>A on transcript NM_000051.4 (MANE Select); coding-DNA position 6660, G replaced by A.
Protein change: p.Gln2220=; no amino-acid change (glutamine 2220 retained).
Molecular consequence: synonymous variant. On other transcripts: intron variant (2).
Genome position (GRCh38, 1-based): chr11:108,325,397, G>A. VCF-style: chr11-108325397-G-A. GRCh37 (hg19) VCF-style: chr11-108196124-G-A.
Other names: c.6660G>A, p.Gln2220= (NM_001351834.2); c.641-16326C>T (NM_001330368.2); c.*38+9823C>T (NM_001351110.2).
Identifiers: ClinVar variation 3253956 (VCV003253956.1), dbSNP rs2136311154.